The following is an entry in ClinVar:

ClinVar aggregate classification (germline): Uncertain significance (1 of 4 stars; one submission).

Submission:

GeneDx
Classification: Uncertain significance. Last evaluated: 2023-06-27. Review status: criteria provided, single submitter. Criteria: GeneDx Variant Classification Process June 2021. Collection method: clinical testing. Allele origin: germline. Affected: yes.
Comment: Not observed at significant frequency in large population cohorts (gnomAD); In silico analysis supports that this missense variant has a deleterious effect on protein structure/function; Has not been previously published as pathogenic or benign to our knowledge

NM_003718.5(CDK13):c.3395C>T (p.Pro1132Leu)

Gene: CDK13 (cyclin dependent kinase 13; plus strand). Cytogenetic location: 7p14.1.
Variant type: single nucleotide variant.
Coding change: c.3395C>T on transcript NM_003718.5 (MANE Select); coding-DNA position 3395, C replaced by T.
Protein change: p.Pro1132Leu; replaces proline 1132 with leucine.
Molecular consequence: missense variant. On other transcripts: intron variant (1).
Genome position (GRCh38, 1-based): chr7:40,092,944, C>T. VCF-style: chr7-40092944-C-T. GRCh37 (hg19) VCF-style: chr7-40132543-C-T.
Other names: c.3236-21C>T (NM_031267.3); short protein forms P1132L.
Identifiers: ClinVar variation 3360542 (VCV003360542.1).